The following is an entry in ClinVar:

ClinVar aggregate classification (germline): Uncertain significance (1 of 4 stars; one submission).

Allele frequency attached by ClinVar (database versions not stated): gnomAD exomes 0.00006; ExAC 0.00002; gnomAD 0.00003; TOPMed 0.00003.
gnomAD v4.1: 88 of 1,544,826 alleles (0.0057%); highest among the groups gnomAD compares: Non-Finnish European, 0.0071%; no homozygotes.

Submission:

Labcorp Genetics (formerly Invitae), Labcorp
Classification: Uncertain significance. Last evaluated: 2024-05-06. Review status: criteria provided, single submitter. Criteria: Invitae Variant Classification Sherloc (09022015). Collection method: clinical testing. Allele origin: germline.
Comment: This sequence change falls in intron 30 of the NUP205 gene. It does not directly change the encoded amino acid sequence of the NUP205 protein. It affects a nucleotide within the consensus splice site. This variant is present in population databases (rs199902369, gnomAD 0.005%). This variant has not been reported in the literature in individuals affected with NUP205-related conditions. ClinVar contains an entry for this variant (Variation ID: 2170403). Variants that disrupt the consensus splice site are a relatively common cause of aberrant splicing (PMID: 17576681, 9536098). Algorithms developed to predict the effect of sequence changes on RNA splicing suggest that this variant is not likely to affect RNA splicing. In summary, the available evidence is currently insufficient to determine the role of this variant in disease. Therefore, it has been classified as a Variant of Uncertain Significance.

Literature cited by the submitters: PubMed 17576681; PubMed 9536098.

NM_015135.3(NUP205):c.4330+5A>G

Gene: NUP205 (nucleoporin 205; plus strand). Cytogenetic location: 7q33.
Variant type: single nucleotide variant.
Coding change: c.4330+5A>G on transcript NM_015135.3 (MANE Select); 5 bases into the intron after coding-DNA position 4330, A replaced by G.
Molecular consequence: intron variant.
Genome position (GRCh38, 1-based): chr7:135,619,893, A>G. VCF-style: chr7-135619893-A-G. GRCh37 (hg19) VCF-style: chr7-135304641-A-G.
Other names: c.3256+5A>G (NM_001329434.2).
Identifiers: ClinVar variation 2170403 (VCV002170403.4), dbSNP rs199902369, ClinGen allele CA4498851.